The following is an entry in ClinVar:

NM_000515.5(GH1):c.*1C>G

Genes: GH-LCR (growth hormone locus control region; plus strand), GH1 (growth hormone 1; minus strand). Cytogenetic location: 17q23.3.
Variant type: single nucleotide variant.
Coding change: c.*1C>G on transcript NM_000515.5 (MANE Select); 1 bases downstream of the stop codon, C replaced by G.
Molecular consequence: 3 prime UTR variant.
Genome position (GRCh38, 1-based): chr17:63,917,308, G>C on the plus strand (C>G on the coding strand, the complement: GH1 is on the minus strand). VCF-style: chr17-63917308-G-C. GRCh37 (hg19) VCF-style: chr17-61994668-G-C.
Other names: c.*1C>G (NM_022559.4, NM_022560.4).
Identifiers: ClinVar variation 4848447 (VCV004848447.1).

ClinVar aggregate classification (germline): Uncertain significance (1 of 4 stars; one submission).

Submission:

Women's Health and Genetics/Laboratory Corporation of America, LabCorp
Classification: Uncertain significance. Last evaluated: 2026-04-17. Review status: criteria provided, single submitter. Criteria: LabCorp Variant Classification Summary - May 2015. Collection method: clinical testing. Allele origin: germline.
Comment: Variant summary: GH1 c.*1C>G is located in the untranslated mRNA region downstream of the termination codon. The variant allele was found at a frequency of 8e-06 in 251248 control chromosomes. The available data on variant occurrences in the general population are insufficient to allow any conclusion about variant significance. To our knowledge, no occurrence of c.*1C>G in individuals affected with GH1-related conditions and no experimental evidence demonstrating its impact on protein function have been reported. No submitters have cited clinical-significance assessments for this variant to ClinVar. Based on the evidence outlined above, the variant was classified as uncertain significance.